The following is an entry in ClinVar:

NM_001127898.4(CLCN5):c.*4692C>T

Gene: CLCN5 (Cl-/H+ antiporter 5; plus strand). Cytogenetic location: Xp11.23.
Variant type: single nucleotide variant.
Coding change: c.*4692C>T on transcript NM_001127898.4 (MANE Select); 4692 bases downstream of the stop codon, C replaced by T.
Molecular consequence: 3 prime UTR variant.
Genome position (GRCh38, 1-based): chrX:50,096,911, C>T. VCF-style: chrX-50096911-C-T. GRCh37 (hg19) VCF-style: chrX-49861568-C-T.
Other names: c.*4692C>T (NM_001127899.4, NM_001282163.2, NM_000084.5).
Identifiers: ClinVar variation 368522 (VCV000368522.5), dbSNP rs143625654, ClinGen allele CA10651983.

ClinVar aggregate classification (germline): Benign (1 of 4 stars; one submission).

Conditions:
Dent disease type 1 (DENT1). Also called: NEPHROLITHIASIS 2; NEPHROLITHIASIS, HYPERCALCIURIC, X-LINKED. Identifiers: Orphanet 1652, Orphanet 93622, MedGen C1848336, MONDO:0010225, OMIM 300009.

Allele frequency attached by ClinVar (database versions not stated): gnomAD 0.00734 and 0.00773; TOPMed 0.00826; 1000 Genomes Project 0.00927; 1000 Genomes Project 30x 0.00937.

Submission:

Illumina Laboratory Services, Illumina
Classification: Benign for Dent disease type 1. Last evaluated: 2018-01-13. Review status: criteria provided, single submitter. Criteria: ICSL Variant Classification Criteria 13 December 2019. Collection method: clinical testing. Allele origin: germline.
Comment: This variant was observed in the ICSL laboratory as part of a predisposition screen in an ostensibly healthy population. It had not been previously curated by ICSL or reported in the Human Gene Mutation Database (HGMD: prior to June 1st, 2018), and was therefore a candidate for classification through an automated scoring system. Utilizing variant allele frequency, disease prevalence and penetrance estimates, and inheritance mode, an automated score was calculated to assess if this variant is too frequent to cause the disease. Based on the score and internal cut-off values, a variant classified as benign is not then subjected to further curation. The score for this variant resulted in a classification of benign for this disease.